The following continues an entry in ClinVar:

NM_000059.4(BRCA2):c.9118-2A>G

Gene: BRCA2. ClinVar aggregate classification (germline): Pathogenic. Pathogenic (1).

Submissions 11 to 17 of 17:

Department of Medical Genetics, Oslo University Hospital
Classification: Pathogenic for Breast-ovarian cancer, familial, susceptibility to, 2. Last evaluated: 2015-07-01. Review status: criteria provided, single submitter. Criteria: ACMG Guidelines, 2015. Collection method: clinical testing. Allele origin: germline. Affected: yes. Observed: 44 variant alleles. Not counted in ClinVar's aggregate classification.

BRCAlab, Lund University
Classification: Pathogenic for Breast-ovarian cancer, familial, susceptibility to, 2. Last evaluated: 2022-08-26. Review status: no assertion criteria provided. Collection method: clinical testing. Allele origin: germline. Affected: yes. Not counted in ClinVar's aggregate classification.

Research Molecular Genetics Laboratory, Women's College Hospital, University of Toronto
Classification: Pathogenic for Hereditary breast ovarian cancer syndrome. Last evaluated: 2014-01-31. Review status: no assertion criteria provided. Collection method: research. Allele origin: germline. Affected: yes. Study: The Canadian Open Genetics Repository (COGR). Not counted in ClinVar's aggregate classification.

Sharing Clinical Reports Project (SCRP)
Classification: Pathogenic for Breast-ovarian cancer, familial 2. Last evaluated: 2013-07-22. Review status: no assertion criteria provided. Collection method: clinical testing. Allele origin: germline. Not counted in ClinVar's aggregate classification.

OMIM
Classification: Pathogenic for BREAST-OVARIAN CANCER, FAMILIAL, SUSCEPTIBILITY TO, 2. Last evaluated: 2000-10-01. Review status: no assertion criteria provided. Collection method: literature only. Allele origin: germline. Not counted in ClinVar's aggregate classification.

Breast Cancer Information Core (BIC) (BRCA2)
Classification: Pathogenic for Breast-ovarian cancer, familial 2. Last evaluated: 1999-06-22. Review status: no assertion criteria provided. Collection method: clinical testing. Allele origin: germline. Affected: yes. Observed: 2 variant alleles. Not counted in ClinVar's aggregate classification.

Diagnostic Laboratory, Department of Genetics, University Medical Center Groningen
Classification: Pathogenic for Breast-ovarian cancer, familial, susceptibility to, 2. Review status: no assertion criteria provided. Collection method: clinical testing. Allele origin: germline. Affected: yes. Study: VKGL Data-share Consensus. Not counted in ClinVar's aggregate classification.

Literature cited by the submitters: PubMed 31131967 (cited by Evidence-based Network for the Interpretation of Germline Mutant Alleles (ENIGMA)); PubMed 16199547 (cited by Labcorp Genetics (formerly Invitae), Labcorp); PubMed 20104584 (cited by Labcorp Genetics (formerly Invitae), Labcorp); PubMed 9150152 (cited by Labcorp Genetics (formerly Invitae), Labcorp and Ambry Genetics); PubMed 29339979 (cited by Labcorp Genetics (formerly Invitae), Labcorp and Ambry Genetics); PubMed 29446198 (cited by 3 submitters); PubMed 22632462 (cited by 4 submitters); PubMed 11039575 (cited by Ambry Genetics and OMIM); PubMed 11251181 (cited by Ambry Genetics and Color Diagnostics, LLC DBA Color Health); PubMed 11504767 (cited by Ambry Genetics and Color Diagnostics, LLC DBA Color Health); PubMed 12759930 (cited by Ambry Genetics and Color Diagnostics, LLC DBA Color Health); PubMed 25948282 (cited by Ambry Genetics); PubMed 9585608 (cited by Ambry Genetics and Women's Health and Genetics/Laboratory Corporation of America, LabCorp); PubMed 10995809 (cited by Color Diagnostics, LLC DBA Color Health and Women's Health and Genetics/Laboratory Corporation of America, LabCorp); PubMed 15548363 (cited by Color Diagnostics, LLC DBA Color Health and Women's Health and Genetics/Laboratory Corporation of America, LabCorp); PubMed 15642173 (cited by Color Diagnostics, LLC DBA Color Health and Women's Health and Genetics/Laboratory Corporation of America, LabCorp); PubMed 18489799 (cited by Color Diagnostics, LLC DBA Color Health and Women's Health and Genetics/Laboratory Corporation of America, LabCorp); PubMed 33471991 (cited by Color Diagnostics, LLC DBA Color Health); PubMed 9361038 (cited by Women's Health and Genetics/Laboratory Corporation of America, LabCorp).